The following is an entry in ClinVar:

ClinVar aggregate classification (germline): Pathogenic (1 of 4 stars; one submission).

Submission:

CeGaT Center for Human Genetics Tuebingen
Classification: Pathogenic. Last evaluated: 2024-07-01. Review status: criteria provided, single submitter. Criteria: CeGaT Center For Human Genetics Tuebingen Variant Classification Criteria Version 2. Collection method: clinical testing. Allele origin: germline. Affected: yes. Observed: 1 variant allele.
Comment: CCM2: PVS1, PM2

NM_031443.4(CCM2):c.510_511del (p.Ala171fs)

Gene: CCM2 (CCM2 scaffold protein; plus strand). Cytogenetic location: 7p13.
Variant type: Microsatellite.
Coding change: c.510_511del on transcript NM_031443.4 (MANE Select); coding-DNA positions 510 to 511, 2 bases deleted (TG; older notation c.510_511delTG).
Protein change: p.Ala171fs; shifts the reading frame from alanine 171.
Molecular consequence: frameshift variant. On other transcripts: non-coding transcript variant (1), intron variant (1).
Genome position (GRCh38, 1-based): chr7:45,068,480-45,068,481, TG deleted; deleting any 2 consecutive bases within chr7:45,068,476-45,068,481 gives the same sequence; the c. name uses the placement nearest the transcript's 3' end. VCF-style (leftmost placement, unchanged base first): chr7-45068475-CTG-C. GRCh37 (hg19) VCF-style: chr7-45108074-CTG-C.
Other names: c.573_574del, p.Ala192fs (NM_001029835.2); c.336_337del, p.Ala113fs (NM_001167934.2, NM_001363459.2); c.510_511del, p.Ala171fs (NM_001363458.2); c.472+3830TG[2] (NM_001167935.2); short protein forms A113fs, A171fs, A192fs.
Identifiers: ClinVar variation 3257466 (VCV003257466.17).